The following is an entry in ClinVar:

NM_000642.3(AGL):c.311G>T (p.Gly104Val)

Gene: AGL (amylo-alpha-1,6-glucosidase and 4-alpha-glucanotransferase; plus strand). Cytogenetic location: 1p21.2.
Variant type: single nucleotide variant.
Coding change: c.311G>T on transcript NM_000642.3 (MANE Select); coding-DNA position 311, G replaced by T.
Protein change: p.Gly104Val; replaces glycine 104 with valine.
Molecular consequence: missense variant.
Genome position (GRCh38, 1-based): chr1:99,862,274, G>T. VCF-style: chr1-99862274-G-T. GRCh37 (hg19) VCF-style: chr1-100327830-G-T.
Other names: c.311G>T, p.Gly104Val (NM_000028.3, NM_000643.3, NM_000644.3 and 5 more transcripts); c.263G>T, p.Gly88Val (NM_000646.3); short protein forms G88V, G104V.
Identifiers: ClinVar variation 972049 (VCV000972049.8), dbSNP rs371973678, ClinGen allele CA966133.

ClinVar aggregate classification (germline): Uncertain significance. Review status: criteria provided, single submitter (1 of 4 stars). 2 submissions from 2 submitters: Uncertain significance (1). 1 of the submissions does not count toward it. Last evaluated 2022-11-01.

Conditions:
Glycogen storage disease type III (GSD3). Also called: Cori disease; FORBES DISEASE. Identifiers: Orphanet 366, MedGen C0017922, MONDO:0009291, OMIM 232400.

Allele frequency attached by ClinVar (database versions not stated): gnomAD 0.00001; TOPMed 0.00001; ExAC 0.00002; gnomAD exomes 0.00002; ESP Exome Variant Server 0.00008.
gnomAD v4.1: 40 of 1,613,872 alleles (0.0025%); highest among the groups gnomAD compares: Non-Finnish European, 0.0031%; no homozygotes.

Submissions (2):

Labcorp Genetics (formerly Invitae), Labcorp
Classification: Uncertain significance for Glycogen storage disease type III. Last evaluated: 2022-11-01. Review status: criteria provided, single submitter. Criteria: Invitae Variant Classification Sherloc (09022015). Collection method: clinical testing. Allele origin: germline.
Comment: This sequence change replaces glycine, which is neutral and non-polar, with valine, which is neutral and non-polar, at codon 104 of the AGL protein (p.Gly104Val). This variant is present in population databases (rs371973678, gnomAD 0.005%). This variant has not been reported in the literature in individuals affected with AGL-related conditions. ClinVar contains an entry for this variant (Variation ID: 972049). Advanced modeling of protein sequence and biophysical properties (such as structural, functional, and spatial information, amino acid conservation, physicochemical variation, residue mobility, and thermodynamic stability) performed at Invitae indicates that this missense variant is not expected to disrupt AGL protein function. In summary, the available evidence is currently insufficient to determine the role of this variant in disease. Therefore, it has been classified as a Variant of Uncertain Significance.

Natera, Inc.
Classification: Uncertain significance for Glycogen storage disease type III. Last evaluated: 2020-03-10. Review status: no assertion criteria provided. Collection method: clinical testing. Allele origin: germline. Not counted in ClinVar's aggregate classification.